The following is an entry in ClinVar:

ClinVar aggregate classification (germline): Conflicting classifications of pathogenicity. Review status: criteria provided, conflicting classifications (1 of 4 stars). 2 submissions from 2 submitters: Uncertain significance (1); Likely benign (1). Last evaluated 2024-10-27.

Conditions:
Hereditary cancer-predisposing syndrome. Also called: Neoplastic Syndromes, Hereditary; Hereditary Cancer Syndrome; Tumor predisposition; Hereditary neoplastic syndrome. Identifiers: Orphanet 140162, MedGen C0027672, MeSH D009386, MONDO:0015356.
Rhabdoid tumor predisposition syndrome 2 (RTPS2). Identifiers: Orphanet 231108, Orphanet 69077, MedGen C2750074, MONDO:0013224, OMIM 613325.

Allele frequency attached by ClinVar (database versions not stated): gnomAD 0.00001.

Submissions (2):

Labcorp Genetics (formerly Invitae), Labcorp
Classification: Likely benign for Rhabdoid tumor predisposition syndrome 2. Last evaluated: 2024-10-27. Review status: criteria provided, single submitter. Criteria: Invitae Variant Classification Sherloc (09022015). Collection method: clinical testing. Allele origin: germline.

Ambry Genetics
Classification: Uncertain significance for Hereditary cancer-predisposing syndrome. Last evaluated: 2024-09-20. Review status: criteria provided, single submitter. Criteria: Ambry Variant Classification Scheme 2023. Collection method: clinical testing. Allele origin: germline.
Comment: The c.1420-5T>G intronic variant results from a T to G substitution 5 nucleotides upstream from coding exon 8 in the SMARCA4 gene. This nucleotide position is not well conserved in available vertebrate species. In silico splice site analysis predicts that this alteration will not have any significant effect on splicing. Based on the available evidence, the clinical significance of this variant remains unclear.

NM_003072.5(SMARCA4):c.1420-5T>G

Gene: SMARCA4 (SWI/SNF related BAF chromatin remodeling complex subunit ATPase 4; plus strand). Cytogenetic location: 19p13.2.
Variant type: single nucleotide variant.
Coding change: c.1420-5T>G on transcript NM_003072.5 (MANE Select); 5 bases into the intron before coding-DNA position 1420, T replaced by G.
Molecular consequence: intron variant.
Genome position (GRCh38, 1-based): chr19:10,994,823, T>G. VCF-style: chr19-10994823-T-G. GRCh37 (hg19) VCF-style: chr19-11105499-T-G.
Other names: c.1420-5T>G (NM_001128844.3, NM_001128849.3, NM_001128847.4 and 4 more transcripts).
Identifiers: ClinVar variation 853131 (VCV000853131.10), dbSNP rs2086878882, ClinGen allele CA916083666.